The following is an entry in ClinVar:

ClinVar aggregate classification (germline): Uncertain significance (1 of 4 stars; one submission).

Allele frequency attached by ClinVar (database versions not stated): TOPMed 0.00002.

Submission:

Labcorp Genetics (formerly Invitae), Labcorp
Classification: Uncertain significance. Last evaluated: 2022-11-19. Review status: criteria provided, single submitter. Criteria: Invitae Variant Classification Sherloc (09022015). Collection method: clinical testing. Allele origin: germline.
Comment: In summary, the available evidence is currently insufficient to determine the role of this variant in disease. Therefore, it has been classified as a Variant of Uncertain Significance. Algorithms developed to predict the effect of missense changes on protein structure and function (SIFT, PolyPhen-2, Align-GVGD) all suggest that this variant is likely to be tolerated. This variant has not been reported in the literature in individuals affected with KLHDC8B-related conditions. This variant is not present in population databases (gnomAD no frequency). This sequence change replaces methionine, which is neutral and non-polar, with leucine, which is neutral and non-polar, at codon 102 of the KLHDC8B protein (p.Met102Leu).

NM_173546.3(KLHDC8B):c.304A>T (p.Met102Leu)

Gene: KLHDC8B (kelch domain containing 8B; plus strand). Cytogenetic location: 3p21.31.
Variant type: single nucleotide variant.
Coding change: c.304A>T on transcript NM_173546.3 (MANE Select); coding-DNA position 304, A replaced by T.
Protein change: p.Met102Leu; replaces methionine 102 with leucine.
Molecular consequence: missense variant.
Genome position (GRCh38, 1-based): chr3:49,173,073, A>T. VCF-style: chr3-49173073-A-T. GRCh37 (hg19) VCF-style: chr3-49210506-A-T.
Other names: short protein forms M102L.
Identifiers: ClinVar variation 2882747 (VCV002882747.3), dbSNP rs2045783947, ClinGen allele CA352776267.